The following is an entry in ClinVar:

NM_001853.4(COL9A3):c.1548G>C (p.Pro516=)

Genes: COL9A3 (collagen type IX alpha 3 chain; plus strand), LOC126863084 (MED14-independent group 3 enhancer GRCh37_chr20:61467141-61468340; plus strand). Cytogenetic location: 20q13.33.
Variant type: single nucleotide variant.
Coding change: c.1548G>C on transcript NM_001853.4 (MANE Select); coding-DNA position 1548, G replaced by C.
Protein change: p.Pro516=; no amino-acid change (proline 516 retained).
Molecular consequence: synonymous variant.
Genome position (GRCh38, 1-based): chr20:62,836,333, G>C. VCF-style: chr20-62836333-G-C. GRCh37 (hg19) VCF-style: chr20-61467685-G-C.
Identifiers: ClinVar variation 2035326 (VCV002035326.5), dbSNP rs541379689, ClinGen allele CA511167479.
Genomic context (GRCh38, chr20:62,836,333, plus strand): 5'-TCCTCTGGGCCTGCAGGGCGTCCCGGGTGTTCCTGGCATCACGGGGAAGCCGGGAGTTCC[G>C]GTACGTCGCTTTTCCGGCTTTTCCAGCTTTCACAGGGTTGAGATCGTGTTTTTTCCGGAA-3'
Protein context (NP_001844.3, residues 506-526): VPGITGKPGV[Pro516=]GKEASEQRIR

ClinVar aggregate classification (germline): Uncertain significance (1 of 4 stars; one submission).

Submissions (2):

Labcorp Genetics (formerly Invitae), Labcorp
Classification: Uncertain significance. Last evaluated: 2022-10-13. Review status: criteria provided, single submitter. Criteria: Invitae Variant Classification Sherloc (09022015). Collection method: clinical testing. Allele origin: germline.
Comment: This sequence change affects codon 516 of the COL9A3 mRNA. It is a 'silent' change, meaning that it does not change the encoded amino acid sequence of the COL9A3 protein. This variant also falls at the last nucleotide of exon 28, which is part of the consensus splice site for this exon. In summary, the available evidence is currently insufficient to determine the role of this variant in disease. Therefore, it has been classified as a Variant of Uncertain Significance. Variants that disrupt the consensus splice site are a relatively common cause of aberrant splicing (PMID: 17576681, 9536098). Algorithms developed to predict the effect of sequence changes on RNA splicing suggest that this variant may disrupt the consensus splice site. This variant has not been reported in the literature in individuals affected with COL9A3-related conditions. This variant is not present in population databases (gnomAD no frequency).

Dr. Peter K. Rogan Lab, Western University
No classification provided (evidence only). Condition: Malignant tumor of urinary bladder. Review status: no classification provided. Collection method: in vitro. Allele origin: not applicable. Functional consequence: retained intron. Not counted in ClinVar's aggregate classification.

Literature cited by the submitters: PubMed 17576681 (cited by Labcorp Genetics (formerly Invitae), Labcorp); PubMed 9536098 (cited by Labcorp Genetics (formerly Invitae), Labcorp).